The following is an entry in ClinVar:

NC_000002.12:g.(?_112924872)_(113105404_?)del

Genes: IL1F10 (interleukin 1 family member 10; plus strand), IL1RN (interleukin 1 receptor antagonist; plus strand), IL36A (interleukin 36 alpha; plus strand), IL36B (interleukin 36 beta; minus strand), IL36G (interleukin 36 gamma; plus strand) and 8 more. Cytogenetic location: 2q14.1.
Variant type: Deletion.
Identifiers: ClinVar variation 1339474 (VCV001339474.2).

ClinVar aggregate classification (germline): Uncertain significance (0 of 4 stars; one submission).

Conditions:
Endometriosis. Also called: Endometriosis (disease). Identifiers: MedGen C0014175, MeSH D004715, MONDO:0005133, HP:0030127.

Submission:

Laboratorio de Investigación del Departamento de Salud, Universidad Iberoamericana A.C.
Classification: Uncertain significance for Endometriosis. Last evaluated: 2021-10-20. Review status: no assertion criteria provided. Collection method: case-control. Allele origin: somatic. Affected: yes.
Comment: Mexican mestizo women with severe stage of endometriosis have higher frequencies of TNF*2-, IL1B*2- and IL1RN*2-alleles, which may explain a possible correlation with disease severity rather than predisposition or risk.